The following is an entry in ClinVar:

NM_138295.5(PKD1L1):c.5605C>T (p.Arg1869Cys)

Gene: PKD1L1 (polycystin 1 like 1, transient receptor potential channel interacting; minus strand). Cytogenetic location: 7p12.3.
Variant type: single nucleotide variant.
Coding change: c.5605C>T on transcript NM_138295.5 (MANE Select); coding-DNA position 5605, C replaced by T.
Protein change: p.Arg1869Cys; replaces arginine 1869 with cysteine.
Molecular consequence: missense variant.
Genome position (GRCh38, 1-based): chr7:47,839,610, G>A on the plus strand (C>T on the coding strand, the complement: PKD1L1 is on the minus strand). VCF-style: chr7-47839610-G-A. GRCh37 (hg19) VCF-style: chr7-47879208-G-A.
Other names: short protein forms R1869C.
Identifiers: ClinVar variation 1704619 (VCV001704619.2), dbSNP rs562245446, ClinGen allele CA158105465.
Genomic context (GRCh38, chr7:47,839,610, plus strand): 5'-GTCCCGTGTGCAGCTCCTTCACCATCACGTGGCTGATGAACCAGCCTGGGGAAGGCCCAC[G>A]GCTGTCGTGCCAGAGGCGGATCTTCCTCAGCAGGCCCAGTTGGGCAGGAGCGCTGGAGGC-3'
Protein context (NP_612152.1, residues 1859-1879): LRKIRLWHDS[Arg1869Cys]GPSPGWFISH

ClinVar aggregate classification (germline): Uncertain significance. Review status: criteria provided, multiple submitters, no conflicts (2 of 4 stars). 2 submissions from 2 submitters: Uncertain significance (2). Last evaluated 2026-06-04.

Conditions:
Inborn genetic diseases. Identifiers: MedGen C0950123, MeSH D030342.

Allele frequency attached by ClinVar (database versions not stated): gnomAD 0.00001; TOPMed 0.00001; gnomAD exomes 0.00001.
gnomAD v4.1: 9 of 1,592,260 alleles (0.00057%); highest among the groups gnomAD compares: Non-Finnish European, 0.00077%; no homozygotes.

Submissions (2):

Ambry Genetics
Classification: Uncertain significance for Inborn genetic diseases. Last evaluated: 2026-06-04. Review status: criteria provided, single submitter. Criteria: Ambry Variant Classification Scheme 2023. Collection method: clinical testing. Allele origin: germline.

Women's Health and Genetics/Laboratory Corporation of America, LabCorp
Classification: Uncertain significance. Last evaluated: 2022-07-10. Review status: criteria provided, single submitter. Criteria: LabCorp Variant Classification Summary - May 2015. Collection method: clinical testing. Allele origin: germline.
Comment: Variant summary: PKD1L1 c.5605C>T (p.Arg1869Cys) results in a non-conservative amino acid change located in the PLAT/LH2 domain (IPR001024) of the encoded protein sequence. Three of five in-silico tools predict a benign effect of the variant on protein function. The variant allele was found at a frequency of 1.4e-05 in 209458 control chromosomes (gnomAD). The available data on variant occurrences in the general population are insufficient to allow any conclusion about variant significance. To our knowledge, no occurrence of c.5605C>T in individuals affected with Heterotaxy, Visceral, 8, Autosomal and no experimental evidence demonstrating its impact on protein function have been reported. No clinical diagnostic laboratories have submitted clinical-significance assessments for this variant to ClinVar after 2014. Based on the evidence outlined above, the variant was classified as uncertain significance.